The following is an entry in ClinVar:

ClinVar aggregate classification (germline): Uncertain significance. Review status: criteria provided, multiple submitters, no conflicts (2 of 4 stars). 3 submissions from 3 submitters: Uncertain significance (3). Last evaluated 2022-03-01.

Conditions:
LAMB2-related infantile-onset nephrotic syndrome. Also called: NEPHROTIC SYNDROME, TYPE 5, WITHOUT OCULAR ABNORMALITIES; NEPHROTIC SYNDROME, TYPE 5, WITH OCULAR ABNORMALITIES; Nephrotic Syndrome, type 5. Identifiers: Orphanet 306507, MedGen C3280113, MONDO:0013621, OMIM 614199.
Pierson syndrome. Also called: MICROCORIA-CONGENITAL NEPHROTIC SYNDROME. Identifiers: Orphanet 2670, MedGen C1836876, MONDO:0012184, OMIM 609049.
Inborn genetic diseases. Identifiers: MedGen C0950123, MeSH D030342.

Allele frequency attached by ClinVar (database versions not stated): ExAC 0.00002; gnomAD 0.00002 and 0.00003; gnomAD exomes 0.00003; TOPMed 0.00003; 1000 Genomes Project 30x 0.00016; 1000 Genomes Project 0.00020.

Submissions (3):

Fulgent Genetics
Classification: Uncertain significance for Pierson syndrome; LAMB2-related infantile-onset nephrotic syndrome. Last evaluated: 2022-03-01. Review status: criteria provided, single submitter. Criteria: ACMG Guidelines, 2015. Collection method: clinical testing. Allele origin: unknown.

Labcorp Genetics (formerly Invitae), Labcorp
Classification: Uncertain significance for LAMB2-related infantile-onset nephrotic syndrome; Pierson syndrome. Last evaluated: 2021-09-08. Review status: criteria provided, single submitter. Criteria: Invitae Variant Classification Sherloc (09022015). Collection method: clinical testing. Allele origin: germline.
Comment: This sequence change replaces arginine with glutamine at codon 1490 of the LAMB2 protein (p.Arg1490Gln). The arginine residue is highly conserved and there is a small physicochemical difference between arginine and glutamine. This variant is present in population databases (rs533452341, ExAC 0.01%). This variant has not been reported in the literature in individuals affected with LAMB2-related conditions. Algorithms developed to predict the effect of missense changes on protein structure and function output the following: SIFT: "Tolerated"; PolyPhen-2: "Benign"; Align-GVGD: "Class C0". The glutamine amino acid residue is found in multiple mammalian species, which suggests that this missense change does not adversely affect protein function. In summary, the available evidence is currently insufficient to determine the role of this variant in disease. Therefore, it has been classified as a Variant of Uncertain Significance.

Ambry Genetics
Classification: Uncertain significance for Inborn genetic diseases. Last evaluated: 2021-08-17. Review status: criteria provided, single submitter. Criteria: Ambry Variant Classification Scheme 2023. Collection method: clinical testing. Allele origin: germline.

NM_002292.4(LAMB2):c.4469G>A (p.Arg1490Gln)

Gene: LAMB2 (laminin subunit beta 2; minus strand). Cytogenetic location: 3p21.31.
Variant type: single nucleotide variant.
Coding change: c.4469G>A on transcript NM_002292.4 (MANE Select); coding-DNA position 4469, G replaced by A.
Protein change: p.Arg1490Gln; replaces arginine 1490 with glutamine.
Molecular consequence: missense variant.
Genome position (GRCh38, 1-based): chr3:49,122,808, C>T on the plus strand (G>A on the coding strand, the complement: LAMB2 is on the minus strand). VCF-style: chr3-49122808-C-T. GRCh37 (hg19) VCF-style: chr3-49160241-C-T.
Other names: c.4469G>A (NM_002292.3); short protein forms R1490Q.
Identifiers: ClinVar variation 1491928 (VCV001491928.5), dbSNP rs533452341, ClinGen allele CA2393782.
Genomic context (GRCh38, chr3:49,122,808, plus strand): 5'-TGGTTGGCCTGTTCCACCTGTCCCCTGGAAGCATTAGCCTTGTCCAGGGCTGCCTGGGCC[C>T]GCTGCTGTGCCTCGCTTGCCTGCCGACGAGTCTCAGCCACTCTGCTGAGGATGCTACCAC-3'
Protein context (NP_002283.3, residues 1480-1500): TRRQASEAQQ[Arg1490Gln]AQAALDKANA